The following is an entry in ClinVar:

ClinVar aggregate classification (germline): Uncertain significance (1 of 4 stars; one submission).

Submission:

Dasa
Classification: Uncertain significance. Last evaluated: 2026-06-23. Review status: criteria provided, single submitter. Criteria: DASA Assertion Criteria. Collection method: clinical testing. Allele origin: germline.
Comment: NM_023110.3(FGFR1):c.2212C>T (p.His738Tyr) is a missense variant that results in the substitution of histidine with tyrosine. This variant is absent from population databases. Computational prediction algorithms are consistent with a deleterious effect. The currently available literature and clinical evidence are not sufficient to establish a definitive association between this variant and the reported condition. Therefore, this variant is classified as a variant of uncertain significance.

NM_023110.3(FGFR1):c.2212C>T (p.His738Tyr)

Gene: FGFR1 (fibroblast growth factor receptor 1; minus strand). Cytogenetic location: 8p11.23.
Variant type: single nucleotide variant.
Coding change: c.2212C>T on transcript NM_023110.3 (MANE Select); coding-DNA position 2212, C replaced by T.
Protein change: p.His738Tyr; replaces histidine 738 with tyrosine.
Molecular consequence: missense variant.
Genome position (GRCh38, 1-based): chr8:38,413,998, G>A on the plus strand (C>T on the coding strand, the complement: FGFR1 is on the minus strand). VCF-style: chr8-38413998-G-A. GRCh37 (hg19) VCF-style: chr8-38271516-G-A.
Other names: c.1939C>T, p.His647Tyr (NM_023106.3, NM_001354370.2); c.2206C>T, p.His736Tyr (NM_001174063.2, NM_001174065.2, NM_001354367.2 and 1 more transcripts); c.2182C>T, p.His728Tyr (NM_001174064.2); c.1945C>T, p.His649Tyr (NM_001174066.2, NM_023105.3); c.2305C>T, p.His769Tyr (NM_001174067.2); c.1933C>T, p.His645Tyr (NM_001354368.2); c.2200C>T, p.His734Tyr (NM_001354369.2, NM_001410922.1); short protein forms H645Y, H647Y, H649Y, H728Y, H734Y, H736Y, H738Y, H769Y.
Identifiers: ClinVar variation 5020318 (VCV005020318.1).
Genomic context (GRCh38, chr8:38,413,998, plus strand): 5'-CGATGCGGTCCAGGTCTTCCACCAGCTGCTTGAAGGTGGGTCTCTGTGAGGGCACTGCAT[G>A]CCAGCAGTCCCGCATCATCATGTACCTGCGGCAGGACTGTAAGGTCAGGGACGTCTCCTG-3'
Protein context (NP_075598.2, residues 728-748): ELYMMMRDCW[His738Tyr]AVPSQRPTFK